The following is an entry in ClinVar:

NM_000059.4(BRCA2):c.7341_7342del (p.Asn2447fs)

Gene: BRCA2 (BRCA2 DNA repair associated; plus strand). Cytogenetic location: 13q13.1.
Variant type: Deletion.
Coding change: c.7341_7342del on transcript NM_000059.4 (MANE Select); coding-DNA positions 7341 to 7342, 2 bases deleted (TA; older notation c.7341_7342delTA).
Protein change: p.Asn2447fs; shifts the reading frame from asparagine 2447.
Molecular consequence: frameshift variant.
Genome position (GRCh38, 1-based): chr13:32,355,194-32,355,195, TA deleted; deleting any 2 consecutive bases within chr13:32,355,193-32,355,195 gives the same sequence; the c. name uses the placement nearest the transcript's 3' end. VCF-style (leftmost placement, unchanged base first): chr13-32355192-AAT-A. GRCh37 (hg19) VCF-style: chr13-32929329-AAT-A.
Other names: c.7341_7342delTA (NM_000059.3); short protein forms N2447fs.
Identifiers: ClinVar variation 233672 (VCV000233672.18), dbSNP rs876660563, ClinGen allele CA10579733.

ClinVar aggregate classification (germline): Pathogenic. Review status: reviewed by expert panel (3 of 4 stars). 3 submissions from 3 submitters: Pathogenic (1). 2 of the submissions do not count toward it. Last evaluated 2017-12-15.

Conditions:
Hereditary cancer-predisposing syndrome. Also called: Tumor predisposition; Hereditary Cancer Syndrome; Hereditary neoplastic syndrome; Neoplastic Syndromes, Hereditary. Identifiers: Orphanet 140162, MedGen C0027672, MeSH D009386, MONDO:0015356.
Hereditary breast ovarian cancer syndrome. Also called: Hereditary breast and ovarian cancer; Breast and ovarian cancer; BRCA1- and BRCA2-Associated Hereditary Breast and Ovarian Cancer; Hereditary breast and ovarian cancer syndrome; Hereditary breast and ovarian cancer syndrome (HBOC); Hereditary breast and/or ovarian cancer syndrome. Identifiers: Orphanet 145, MedGen C0677776, MeSH D061325, MONDO:0003582. Disease mechanism: loss of function.
Breast-ovarian cancer, familial, susceptibility to, 2 (BROVCA2). Also called: BRCA2 Hereditary Breast and Ovarian Cancer. Identifiers: Orphanet 145, MedGen C2675520, MONDO:0012933, OMIM 612555. Disease mechanism: loss of function.

Submissions (3):

Evidence-based Network for the Interpretation of Germline Mutant Alleles (ENIGMA)
Classification: Pathogenic for Breast-ovarian cancer, familial, susceptibility to, 2. Last evaluated: 2017-12-15. Review status: reviewed by expert panel. Criteria: ENIGMA BRCA1/2 Classification Criteria (2017-06-29). Collection method: curation. Allele origin: germline. Study: ENIGMA.
Comment: Variant allele predicted to encode a truncated non-functional protein.

Ambry Genetics
Classification: Pathogenic for Hereditary cancer-predisposing syndrome. Last evaluated: 2024-04-09. Review status: criteria provided, single submitter. Criteria: Ambry Variant Classification Scheme 2023. Collection method: clinical testing. Allele origin: germline. Not counted in ClinVar's aggregate classification.
Comment: The c.7341_7342delTA pathogenic mutation, located in coding exon 13 of the BRCA2 gene, results from a deletion of two nucleotides at nucleotide positions 7341 to 7342, causing a translational frameshift with a predicted alternate stop codon (p.N2447Kfs*3). This variant is considered to be rare based on population cohorts in the Genome Aggregation Database (gnomAD). This alteration is expected to result in loss of function by premature protein truncation or nonsense-mediated mRNA decay. As such, this alteration is interpreted as a disease-causing mutation.

Labcorp Genetics (formerly Invitae), Labcorp
Classification: Pathogenic for Hereditary breast ovarian cancer syndrome. Last evaluated: 2024-03-21. Review status: criteria provided, single submitter. Criteria: Invitae Variant Classification Sherloc (09022015). Collection method: clinical testing. Allele origin: germline. Not counted in ClinVar's aggregate classification.
Comment: This sequence change creates a premature translational stop signal (p.Asn2447Lysfs*3) in the BRCA2 gene. It is expected to result in an absent or disrupted protein product. Loss-of-function variants in BRCA2 are known to be pathogenic (PMID: 20104584). This variant is not present in population databases (gnomAD no frequency). This premature translational stop signal has been observed in individual(s) with pancreatic cancer (PMID: 30067863). ClinVar contains an entry for this variant (Variation ID: 233672). For these reasons, this variant has been classified as Pathogenic.

Literature cited by the submitters: PubMed 20104584 (cited by Labcorp Genetics (formerly Invitae), Labcorp); PubMed 30067863 (cited by Labcorp Genetics (formerly Invitae), Labcorp).